The following is an entry in ClinVar:

ClinVar aggregate classification (germline): Uncertain significance (1 of 4 stars; one submission).

Conditions:
Cardiomyopathy (CMYO). Also called: Cardiomyopathies. Identifiers: Orphanet 167848, MedGen C0878544, MONDO:0004994, HP:0001638. Inheritance: Various modes of inheritance.

Submission:

Color Diagnostics, LLC DBA Color Health
Classification: Uncertain significance for Cardiomyopathy. Last evaluated: 2024-03-06. Review status: criteria provided, single submitter. Criteria: ACMG Guidelines, 2015. Collection method: clinical testing. Allele origin: germline.
Comment: This missense variant replaces lysine with glutamine at codon 84 of the DSG2 protein. Computational prediction suggests that this variant may not impact protein structure and function (internally defined REVEL score threshold <= 0.5, PMID: 27666373). To our knowledge, functional studies have not been reported for this variant. This variant has not been reported in individuals affected with cardiovascular disorders in the literature. This variant has not been identified in the general population by the Genome Aggregation Database (gnomAD). The available evidence is insufficient to determine the role of this variant in disease conclusively. Therefore, this variant is classified as a Variant of Uncertain Significance.

NM_001943.5(DSG2):c.250A>C (p.Lys84Gln)

Gene: DSG2 (desmoglein 2; plus strand). Cytogenetic location: 18q12.1.
Variant type: single nucleotide variant.
Coding change: c.250A>C on transcript NM_001943.5 (MANE Select); coding-DNA position 250, A replaced by C.
Protein change: p.Lys84Gln; replaces lysine 84 with glutamine.
Molecular consequence: missense variant.
Genome position (GRCh38, 1-based): chr18:31,520,836, A>C. VCF-style: chr18-31520836-A-C. GRCh37 (hg19) VCF-style: chr18-29100799-A-C.
Other names: short protein forms K84Q.
Identifiers: ClinVar variation 1332630 (VCV001332630.3), dbSNP rs2144315551, ClinGen allele CA402131294.